The following is an entry in ClinVar:

ClinVar aggregate classification (germline): Uncertain significance (1 of 4 stars; one submission).

Conditions:
Sitosterolemia (STSL). Also called: PHYTOSTEROLEMIA. Identifiers: Orphanet 2882, MedGen C0342907, MONDO:0008863.

Allele frequency attached by ClinVar (database versions not stated): TOPMed below 0.00001; gnomAD exomes 0.00001; ExAC 0.00002.
gnomAD v4.1: 14 of 1,612,928 alleles (0.00087%); highest among the groups gnomAD compares: East Asian, 0.0022%; no homozygotes.

Submission:

Labcorp Genetics (formerly Invitae), Labcorp
Classification: Uncertain significance for Sitosterolemia. Last evaluated: 2021-10-05. Review status: criteria provided, single submitter. Criteria: Invitae Variant Classification Sherloc (09022015). Collection method: clinical testing. Allele origin: germline.
Comment: This sequence change replaces valine with alanine at codon 592 of the ABCG5 protein (p.Val592Ala). The valine residue is weakly conserved and there is a small physicochemical difference between valine and alanine. This variant is present in population databases (rs777055543, ExAC 0.01%). This variant has not been reported in the literature in individuals affected with ABCG5-related conditions. Algorithms developed to predict the effect of missense changes on protein structure and function output the following: SIFT: "Tolerated"; PolyPhen-2: "Benign"; Align-GVGD: "Class C0". The alanine amino acid residue is found in multiple mammalian species, which suggests that this missense change does not adversely affect protein function. In summary, the available evidence is currently insufficient to determine the role of this variant in disease. Therefore, it has been classified as a Variant of Uncertain Significance.

NM_022436.3(ABCG5):c.1775T>C (p.Val592Ala)

Genes: ABCG5 (ATP binding cassette subfamily G member 5; minus strand), DYNC2LI1 (dynein cytoplasmic 2 light intermediate chain 1; plus strand). Cytogenetic location: 2p21.
Variant type: single nucleotide variant.
Coding change: c.1775T>C on transcript NM_022436.3 (MANE Select); coding-DNA position 1775, T replaced by C.
Protein change: p.Val592Ala; replaces valine 592 with alanine.
Molecular consequence: missense variant. On other transcripts: intron variant (2).
Genome position (GRCh38, 1-based): chr2:43,813,297, A>G on the plus strand (T>C on the coding strand, the complement: ABCG5 is on the minus strand). VCF-style: chr2-43813297-A-G. GRCh37 (hg19) VCF-style: chr2-44040436-A-G.
Other names: c.*15+2773A>G (NM_001348913.2, NM_001348912.2); short protein forms V592A.
Identifiers: ClinVar variation 1446253 (VCV001446253.4), dbSNP rs777055543, ClinGen allele CA1636153.